The following is an entry in ClinVar:

ClinVar aggregate classification (germline): Uncertain significance (1 of 4 stars; one submission).

Conditions:
Generalized epilepsy-paroxysmal dyskinesia syndrome (PNKD3). Also called: Generalized epilepsy and paroxysmal dyskinesia; Paroxysmal nonkinesigenic dyskinesia, 3, with or without generalized epilepsy. Identifiers: Orphanet 79137, MedGen C5574945, MONDO:0012276, OMIM 609446.

Allele frequency attached by ClinVar (database versions not stated): gnomAD 0.00001; gnomAD exomes 0.00001; TOPMed 0.00001.
gnomAD v4.1: 11 of 1,614,116 alleles (0.00068%); highest among the groups gnomAD compares: African/African-American, 0.0013%; no homozygotes.

Submission:

Labcorp Genetics (formerly Invitae), Labcorp
Classification: Uncertain significance for Generalized epilepsy-paroxysmal dyskinesia syndrome. Last evaluated: 2021-09-09. Review status: criteria provided, single submitter. Criteria: Invitae Variant Classification Sherloc (09022015). Collection method: clinical testing. Allele origin: germline.
Comment: This sequence change replaces asparagine with serine at codon 541 of the KCNMA1 protein (p.Asn541Ser). The asparagine residue is highly conserved and there is a small physicochemical difference between asparagine and serine. This variant is not present in population databases (ExAC no frequency). This variant has not been reported in the literature in individuals affected with KCNMA1-related conditions. Algorithms developed to predict the effect of missense changes on protein structure and function are either unavailable or do not agree on the potential impact of this missense change (SIFT: "Deleterious"; PolyPhen-2: "Benign"; Align-GVGD: "Class C15"). In summary, the available evidence is currently insufficient to determine the role of this variant in disease. Therefore, it has been classified as a Variant of Uncertain Significance.

NM_001161352.2(KCNMA1):c.1622A>G (p.Asn541Ser)

Gene: KCNMA1 (potassium calcium-activated channel subfamily M alpha 1; minus strand). Cytogenetic location: 10q22.3.
Variant type: single nucleotide variant.
Coding change: c.1622A>G on transcript NM_001161352.2 (MANE Select); coding-DNA position 1622, A replaced by G.
Protein change: p.Asn541Ser; replaces asparagine 541 with serine.
Molecular consequence: missense variant.
Genome position (GRCh38, 1-based): chr10:77,073,224, T>C on the plus strand (A>G on the coding strand, the complement: KCNMA1 is on the minus strand). VCF-style: chr10-77073224-T-C. GRCh37 (hg19) VCF-style: chr10-78832982-T-C.
Other names: c.1622A>G, p.Asn541Ser (NM_001014797.3, NM_001161353.2, NM_001271519.2 and 7 more transcripts); c.1460A>G, p.Asn487Ser (NM_001271518.2); c.1082A>G, p.Asn361Ser (NM_001322838.2); short protein forms N487S, N541S, N361S.
Identifiers: ClinVar variation 656082 (VCV000656082.3), dbSNP rs1447211434, ClinGen allele CA377404957.